The following is an entry in ClinVar:

NM_199420.4(POLQ):c.643G>T (p.Val215Leu)

Gene: POLQ (DNA polymerase theta; minus strand). Cytogenetic location: 3q13.33.
Variant type: single nucleotide variant.
Coding change: c.643G>T on transcript NM_199420.4 (MANE Select); coding-DNA position 643, G replaced by T.
Protein change: p.Val215Leu; replaces valine 215 with leucine.
Molecular consequence: missense variant.
Genome position (GRCh38, 1-based): chr3:121,537,197, C>A on the plus strand (G>T on the coding strand, the complement: POLQ is on the minus strand). VCF-style: chr3-121537197-C-A. GRCh37 (hg19) VCF-style: chr3-121256044-C-A.
Other names: short protein forms V215L.
Identifiers: ClinVar variation 3230106 (VCV003230106.1), dbSNP rs2546822823, ClinGen allele CA354090798.

ClinVar aggregate classification (germline): Uncertain significance (1 of 4 stars; one submission).

Submission:

Ambry Genetics
Classification: Uncertain significance. Last evaluated: 2023-09-28. Review status: criteria provided, single submitter. Criteria: Ambry Variant Classification Scheme 2023. Collection method: clinical testing. Allele origin: germline.
Comment: The p.V215L variant (also known as c.643G>T), located in coding exon 5 of the POLQ gene, results from a G to T substitution at nucleotide position 643. The valine at codon 215 is replaced by leucine, an amino acid with highly similar properties. This amino acid position is conserved. In addition, this alteration is predicted to be tolerated by in silico analysis. Since supporting evidence is limited at this time, the clinical significance of this alteration remains unclear.